The following is an entry in ClinVar:

NM_138773.4(SLC25A46):c.1180A>G (p.Ile394Val)

Gene: SLC25A46 (solute carrier family 25 member 46; plus strand). Cytogenetic location: 5q22.1.
Variant type: single nucleotide variant.
Coding change: c.1180A>G on transcript NM_138773.4 (MANE Select); coding-DNA position 1180, A replaced by G.
Protein change: p.Ile394Val; replaces isoleucine 394 with valine.
Molecular consequence: missense variant. On other transcripts: non-coding transcript variant (1).
Genome position (GRCh38, 1-based): chr5:110,761,705, A>G. VCF-style: chr5-110761705-A-G. GRCh37 (hg19) VCF-style: chr5-110097405-A-G.
Other names: c.937A>G, p.Ile313Val (NM_001303249.3); c.907A>G, p.Ile303Val (NM_001303250.3); short protein forms I313V, I303V, I394V.
Identifiers: ClinVar variation 2010952 (VCV002010952.4), dbSNP rs1243228385, ClinGen allele CA360697690.

ClinVar aggregate classification (germline): Uncertain significance (1 of 4 stars; one submission).

Conditions:
Neuropathy, hereditary motor and sensory, type 6B (HMSN6B). Also called: Neuropathy, hereditary motor and sensory, type VIB; HMSN VIB; CHARCOT-MARIE-TOOTH DISEASE, TYPE 6B; NEUROPATHY, HEREDITARY MOTOR AND SENSORY, TYPE VIB, WITH OPTIC ATROPHY. Identifiers: MedGen C4225302, MONDO:0014671, OMIM 616505.

gnomAD v4.1: 1 of 1,613,402 alleles (0.000062%); no homozygotes.

Submission:

Labcorp Genetics (formerly Invitae), Labcorp
Classification: Uncertain significance for Neuropathy, hereditary motor and sensory, type 6B. Last evaluated: 2022-06-26. Review status: criteria provided, single submitter. Criteria: Invitae Variant Classification Sherloc (09022015). Collection method: clinical testing. Allele origin: germline.
Comment: In summary, the available evidence is currently insufficient to determine the role of this variant in disease. Therefore, it has been classified as a Variant of Uncertain Significance. Algorithms developed to predict the effect of missense changes on protein structure and function output the following: SIFT: "Tolerated"; PolyPhen-2: "Benign"; Align-GVGD: "Class C0". The valine amino acid residue is found in multiple mammalian species, which suggests that this missense change does not adversely affect protein function. This variant has not been reported in the literature in individuals affected with SLC25A46-related conditions. This variant is present in population databases (no rsID available, gnomAD no frequency). This sequence change replaces isoleucine, which is neutral and non-polar, with valine, which is neutral and non-polar, at codon 394 of the SLC25A46 protein (p.Ile394Val).